The following is an entry in ClinVar:

NM_001193313.2(SUGCT):c.-9A>C

Genes: SUGCT (succinyl-CoA:glutarate-CoA transferase; plus strand), LOC129998297 (ATAC-STARR-seq lymphoblastoid silent region 18118; plus strand). Cytogenetic location: 7p14.1.
Variant type: single nucleotide variant.
Coding change: c.-9A>C on transcript NM_001193313.2 (MANE Select); 9 bases upstream of the start codon, A replaced by C.
Molecular consequence: 5 prime UTR variant.
Genome position (GRCh38, 1-based): chr7:40,135,012, A>C. VCF-style: chr7-40135012-A-C. GRCh37 (hg19) VCF-style: chr7-40174611-A-C.
Other names: c.-9A>C (NM_001193311.2, NM_001193312.2, NM_024728.3).
Identifiers: ClinVar variation 3646369 (VCV003646369.2).

ClinVar aggregate classification (germline): Uncertain significance (1 of 4 stars; one submission).

gnomAD v4.1: 2 of 1,557,672 alleles (0.00013%); highest among the groups gnomAD compares: Non-Finnish European, 0.00017%; no homozygotes.

Submission:

Labcorp Genetics (formerly Invitae), Labcorp
Classification: Uncertain significance. Last evaluated: 2024-08-31. Review status: criteria provided, single submitter. Criteria: Invitae Variant Classification Sherloc (09022015). Collection method: clinical testing. Allele origin: germline.
Comment: This sequence change replaces threonine, which is neutral and polar, with proline, which is neutral and non-polar, at codon 5 of the SUGCT protein (p.Thr5Pro). This variant is not present in population databases (gnomAD no frequency). This variant has not been reported in the literature in individuals affected with SUGCT-related conditions. Experimental studies and prediction algorithms are not available or were not evaluated, and the functional significance of this variant is currently unknown. In summary, the available evidence is currently insufficient to determine the role of this variant in disease. Therefore, it has been classified as a Variant of Uncertain Significance.